The following is an entry in ClinVar:

NM_006361.6(HOXB13):c.772C>G (p.Arg258Gly)

Gene: HOXB13 (homeobox B13; minus strand). Cytogenetic location: 17q21.32.
Variant type: single nucleotide variant.
Coding change: c.772C>G on transcript NM_006361.6 (MANE Select); coding-DNA position 772, C replaced by G.
Protein change: p.Arg258Gly; replaces arginine 258 with glycine.
Molecular consequence: missense variant.
Genome position (GRCh38, 1-based): chr17:48,726,873, G>C on the plus strand (C>G on the coding strand, the complement: HOXB13 is on the minus strand). VCF-style: chr17-48726873-G-C. GRCh37 (hg19) VCF-style: chr17-46804235-G-C.
Other names: short protein forms R258G.
Identifiers: ClinVar variation 1436641 (VCV001436641.6), dbSNP rs759838136, ClinGen allele CA400105878.
Genomic context (GRCh38, chr17:48,726,873, plus strand): 5'-CCTTGGCGAGAACCTTCTTCTCTTTGACCCGGCGGTTCTGAAACCAGATGGTAATCTGGC[G>C]CTCCGAGAGGCTGGTGGCTGCCGAGATCTTGCGCCTCTTGTCCTTGGTGATGAACTTGTT-3'
Protein context (NP_006352.2, residues 248-268): KISAATSLSE[Arg258Gly]QITIWFQNRR

ClinVar aggregate classification (germline): Uncertain significance (1 of 4 stars; one submission).

Submission:

Labcorp Genetics (formerly Invitae), Labcorp
Classification: Uncertain significance. Last evaluated: 2025-06-18. Review status: criteria provided, single submitter. Criteria: Invitae Variant Classification Sherloc (09022015). Collection method: clinical testing. Allele origin: germline.
Comment: This sequence change replaces arginine, which is basic and polar, with glycine, which is neutral and non-polar, at codon 258 of the HOXB13 protein (p.Arg258Gly). This variant is present in population databases (no rsID available, gnomAD 0.0009%). This variant has not been reported in the literature in individuals affected with HOXB13-related conditions. ClinVar contains an entry for this variant (Variation ID: 1436641). Invitae Evidence Modeling of protein sequence and biophysical properties (such as structural, functional, and spatial information, amino acid conservation, physicochemical variation, residue mobility, and thermodynamic stability) indicates that this missense variant is expected to disrupt HOXB13 protein function with a positive predictive value of 80%. In summary, the available evidence is currently insufficient to determine the role of this variant in disease. Therefore, it has been classified as a Variant of Uncertain Significance.